The following is an entry in ClinVar:

ClinVar aggregate classification (germline): Uncertain significance. Review status: criteria provided, multiple submitters, no conflicts (2 of 4 stars). 4 submissions from 4 submitters: Uncertain significance (4). Last evaluated 2025-06-06.

Conditions:
Inborn genetic diseases. Identifiers: MedGen C0950123, MeSH D030342.

Allele frequency attached by ClinVar (database versions not stated): gnomAD 0.00001; gnomAD exomes 0.00002; ESP Exome Variant Server 0.00008; TOPMed 0.00002; ExAC 0.00003.
gnomAD v4.1: 23 of 1,613,522 alleles (0.0014%); highest among the groups gnomAD compares: East Asian, 0.013%; no homozygotes.

Submissions (4):

Ambry Genetics
Classification: Uncertain significance for Inborn genetic diseases. Last evaluated: 2025-06-06. Review status: criteria provided, single submitter. Criteria: Ambry Variant Classification Scheme 2023. Collection method: clinical testing. Allele origin: germline.

Labcorp Genetics (formerly Invitae), Labcorp
Classification: Uncertain significance. Last evaluated: 2022-06-28. Review status: criteria provided, single submitter. Criteria: Invitae Variant Classification Sherloc (09022015). Collection method: clinical testing. Allele origin: germline.
Comment: This sequence change replaces arginine, which is basic and polar, with cysteine, which is neutral and slightly polar, at codon 412 of the CDH23 protein (p.Arg412Cys). The frequency data for this variant in the population databases is considered unreliable, as metrics indicate poor data quality at this position in the gnomAD database. This variant has not been reported in the literature in individuals affected with CDH23-related conditions. ClinVar contains an entry for this variant (Variation ID: 1301192). Algorithms developed to predict the effect of missense changes on protein structure and function are either unavailable or do not agree on the potential impact of this missense change (SIFT: "Deleterious"; PolyPhen-2: "Not Available"; Align-GVGD: "Class C65"). In summary, the available evidence is currently insufficient to determine the role of this variant in disease. Therefore, it has been classified as a Variant of Uncertain Significance.

Institute for Clinical Genetics, University Hospital TU Dresden, University Hospital TU Dresden
Classification: Uncertain significance. Last evaluated: 2021-11-03. Review status: criteria provided, single submitter. Criteria: ACMG Guidelines, 2015. Collection method: clinical testing. Allele origin: germline.

GeneDx
Classification: Uncertain significance. Last evaluated: 2021-09-22. Review status: criteria provided, single submitter. Criteria: GeneDx Variant Classification Process June 2021. Collection method: clinical testing. Allele origin: germline. Affected: yes.
Comment: Not observed at a significant frequency in large population cohorts (Lek et al., 2016); In silico analysis supports that this missense variant does not alter protein structure/function; Has not been previously published as pathogenic or benign to our knowledge

NM_022124.6(CDH23):c.1234C>T (p.Arg412Cys)

Gene: CDH23 (cadherin related 23; plus strand). Cytogenetic location: 10q22.1.
Variant type: single nucleotide variant.
Coding change: c.1234C>T on transcript NM_022124.6 (MANE Select); coding-DNA position 1234, C replaced by T.
Protein change: p.Arg412Cys; replaces arginine 412 with cysteine.
Molecular consequence: missense variant.
Genome position (GRCh38, 1-based): chr10:71,645,924, C>T. VCF-style: chr10-71645924-C-T. GRCh37 (hg19) VCF-style: chr10-73405681-C-T.
Other names: c.1234C>T, p.Arg412Cys (NM_001171930.2, NM_001171931.2, NM_052836.4); short protein forms R412C.
Identifiers: ClinVar variation 1301192 (VCV001301192.7), dbSNP rs374419277, ClinGen allele CA5543738.